The following is an entry in ClinVar:

ClinVar aggregate classification (germline): Uncertain significance (1 of 4 stars; one submission).

Conditions:
Hyperlipidemia due to hepatic triglyceride lipase deficiency. Also called: LIPC DEFICIENCY. Identifiers: Orphanet 140905, MedGen C3151466, MONDO:0013533, OMIM 614025.

Submission:

Centre for Mendelian Genomics, University Medical Centre Ljubljana
Classification: Uncertain significance for Hyperlipidemia due to hepatic triglyceride lipase deficiency. Last evaluated: 2019-04-23. Review status: criteria provided, single submitter. Criteria: ACMG Guidelines, 2015. Collection method: clinical testing. Allele origin: unknown. Affected: yes.
Comment: This variant was classified as: Uncertain significance. The available evidence on this variant's pathogenicity is insufficient or conflicting. The following ACMG criteria were applied in classifying this variant: PM2,PP3.

NM_000236.3(LIPC):c.787A>G (p.Ile263Val)

Gene: LIPC (lipase C, hepatic type; plus strand). Cytogenetic location: 15q21.3.
Variant type: single nucleotide variant.
Coding change: c.787A>G on transcript NM_000236.3 (MANE Select); coding-DNA position 787, A replaced by G.
Protein change: p.Ile263Val; replaces isoleucine 263 with valine.
Molecular consequence: missense variant.
Genome position (GRCh38, 1-based): chr15:58,545,954, A>G. VCF-style: chr15-58545954-A-G. GRCh37 (hg19) VCF-style: chr15-58838153-A-G.
Other names: short protein forms I263V.
Identifiers: ClinVar variation 931919 (VCV000931919.3), dbSNP rs1893514095, ClinGen allele CA392612870.
Genomic context (GRCh38, chr15:58,545,954, plus strand): 5'-TTCTATCCCAACGGGGGCTCCTTCCAGCCTGGCTGCCACTTCCTAGAGCTCTACAGACAT[A>G]TTGCCCAGCACGGCTTCAATGGTGAGAATGAAGTCATGGGCCGGGAGCACCGGCCTACAT-3'
Protein context (NP_000227.2, residues 253-273): GCHFLELYRH[Ile263Val]AQHGFNAITQ